The following is an entry in ClinVar:

NM_153240.5(NPHP3):c.848G>A (p.Ser283Asn)

Genes: NPHP3-ACAD11 (NPHP3-ACAD11 readthrough (NMD candidate); minus strand), NPHP3 (nephrocystin 3; minus strand). Cytogenetic location: 3q22.1.
Variant type: single nucleotide variant.
Coding change: c.848G>A on transcript NM_153240.5 (MANE Select); coding-DNA position 848, G replaced by A.
Protein change: p.Ser283Asn; replaces serine 283 with asparagine.
Molecular consequence: missense variant. On other transcripts: non-coding transcript variant (1).
Genome position (GRCh38, 1-based): chr3:132,715,194, C>T on the plus strand (G>A on the coding strand, the complement: NPHP3 is on the minus strand). VCF-style: chr3-132715194-C-T. GRCh37 (hg19) VCF-style: chr3-132434038-C-T.
Other names: c.848G>A (NM_153240.4); short protein forms S283N.
Identifiers: ClinVar variation 1518051 (VCV001518051.8), dbSNP rs549852830, ClinGen allele CA2622477.

ClinVar aggregate classification (germline): Uncertain significance. Review status: criteria provided, multiple submitters, no conflicts (2 of 4 stars). 3 submissions from 3 submitters: Uncertain significance (3). Last evaluated 2024-04-05.

Conditions:
Inborn genetic diseases. Identifiers: MedGen C0950123, MeSH D030342.
Renal-hepatic-pancreatic dysplasia 1 (RHPD1). Identifiers: MedGen C3715199, MONDO:0008833, OMIM 208540.
Nephronophthisis 3 (NPHP3). Also called: Adolescent nephronophthisis. Identifiers: Orphanet 655, MedGen C1858392, MONDO:0011456, OMIM 604387.
NPHP3-related Meckel-like syndrome. Also called: GOLDSTON SYNDROME; Meckel syndrome type 7. Identifiers: Orphanet 3032, MedGen C2673885, MONDO:0009966, OMIM 267010.
Nephronophthisis. Also called: Juvenile Nephronophthisis. Identifiers: Orphanet 655, MedGen C0687120, MONDO:0019005, HP:0000090.

Allele frequency attached by ClinVar (database versions not stated): gnomAD exomes below 0.00001; ExAC 0.00001; gnomAD 0.00001; TOPMed 0.00001; 1000 Genomes Project 30x 0.00016; 1000 Genomes Project 0.00020.
gnomAD v4.1: 3 of 1,612,084 alleles (0.00019%); highest among the groups gnomAD compares: South Asian, 0.0022%; no homozygotes.

Submissions (3):

Fulgent Genetics
Classification: Uncertain significance for Renal-hepatic-pancreatic dysplasia 1; NPHP3-related Meckel-like syndrome; Nephronophthisis 3. Last evaluated: 2024-04-05. Review status: criteria provided, single submitter. Criteria: ACMG Guidelines, 2015. Collection method: clinical testing. Allele origin: germline.

Labcorp Genetics (formerly Invitae), Labcorp
Classification: Uncertain significance for Nephronophthisis. Last evaluated: 2023-11-28. Review status: criteria provided, single submitter. Criteria: Invitae Variant Classification Sherloc (09022015). Collection method: clinical testing. Allele origin: germline.
Comment: This sequence change replaces serine, which is neutral and polar, with asparagine, which is neutral and polar, at codon 283 of the NPHP3 protein (p.Ser283Asn). This variant is present in population databases (rs549852830, gnomAD 0.003%). This variant has not been reported in the literature in individuals affected with NPHP3-related conditions. ClinVar contains an entry for this variant (Variation ID: 1518051). Advanced modeling of protein sequence and biophysical properties (such as structural, functional, and spatial information, amino acid conservation, physicochemical variation, residue mobility, and thermodynamic stability) performed at Invitae indicates that this missense variant is not expected to disrupt NPHP3 protein function with a negative predictive value of 80%. In summary, the available evidence is currently insufficient to determine the role of this variant in disease. Therefore, it has been classified as a Variant of Uncertain Significance.

Ambry Genetics
Classification: Uncertain significance for Inborn genetic diseases. Last evaluated: 2021-06-22. Review status: criteria provided, single submitter. Criteria: Ambry Variant Classification Scheme 2023. Collection method: clinical testing. Allele origin: germline.